The following is an entry in ClinVar:

NM_001374828.1(ARID1B):c.466G>A (p.Gly156Ser)

Genes: ARID1B (AT-rich interaction domain 1B; plus strand), LOC115308161 (uncharacterized LOC115308161; minus strand), LOC129997524 (ATAC-STARR-seq lymphoblastoid silent region 17711; plus strand). Cytogenetic location: 6q25.3.
Variant type: single nucleotide variant.
Coding change: c.466G>A on transcript NM_001374828.1 (MANE Select); coding-DNA position 466, G replaced by A.
Protein change: p.Gly156Ser; replaces glycine 156 with serine.
Molecular consequence: missense variant.
Genome position (GRCh38, 1-based): chr6:156,778,146, G>A. VCF-style: chr6-156778146-G-A. GRCh37 (hg19) VCF-style: chr6-157099280-G-A.
Other names: c.466G>A, p.Gly156Ser (NM_001371656.1, NM_001374820.1, NM_017519.3); short protein forms G156S.
Identifiers: ClinVar variation 3604731 (VCV003604731.2).

ClinVar aggregate classification (germline): Uncertain significance (1 of 4 stars; one submission).

Submission:

Labcorp Genetics (formerly Invitae), Labcorp
Classification: Uncertain significance. Last evaluated: 2024-10-03. Review status: criteria provided, single submitter. Criteria: Invitae Variant Classification Sherloc (09022015). Collection method: clinical testing. Allele origin: germline.
Comment: This sequence change replaces glycine, which is neutral and non-polar, with serine, which is neutral and polar, at codon 73 of the ARID1B protein (p.Gly73Ser). This variant is not present in population databases (gnomAD no frequency). This variant has not been reported in the literature in individuals affected with ARID1B-related conditions. Invitae Evidence Modeling of protein sequence and biophysical properties (such as structural, functional, and spatial information, amino acid conservation, physicochemical variation, residue mobility, and thermodynamic stability) indicates that this missense variant is not expected to disrupt ARID1B protein function with a negative predictive value of 95%. In summary, the available evidence is currently insufficient to determine the role of this variant in disease. Therefore, it has been classified as a Variant of Uncertain Significance.